The following is an entry in ClinVar:

NM_004304.5(ALK):c.2592CTC[1] (p.Ser866del)

Gene: ALK (ALK receptor tyrosine kinase; minus strand). Cytogenetic location: 2p23.2.
Variant type: Microsatellite.
Coding change: c.2592CTC[1] on transcript NM_004304.5 (MANE Select); one copy of the 3-base unit CTC starting at c.2592; the reference has two copies in a row; one copy, 3 bases deleted.
Protein change: p.Ser866del; deletes serine 866.
Genome position (GRCh38, 1-based): chr2:29,232,339-29,232,341, GAG deleted on the plus strand (CTC on the coding strand, the reverse complement: ALK is on the minus strand); deleting any 3 consecutive bases within chr2:29,232,339-29,232,344 gives the same sequence; the position shown is the placement nearest the transcript's 3' end. VCF-style (leftmost placement, unchanged base first): chr2-29232338-CGAG-C. GRCh37 (hg19) VCF-style: chr2-29455204-CGAG-C.
Other names: short protein forms S866del.
Identifiers: ClinVar variation 3720391 (VCV003720391.2).
Genomic context (GRCh38, chr2:29,232,338, plus strand): 5'-GAGAGGGCACGCTTGCAGCGCTTTACCTGCGGCTCCGGAATTGCCGTTTAGCCCTAGAAC[CGAG>C]GAGTTATTCTCCAGTCTCTCTGGGTGGAACGTGTCTGTCTTGGCCCCGTAGGCCCTGCCA-3'

ClinVar aggregate classification (germline): Uncertain significance (1 of 4 stars; one submission).

Conditions:
Neuroblastoma, susceptibility to, 3. Also called: ALK-Related Neuroblastic Tumor Susceptibility. Identifiers: Orphanet 635, MedGen C2751681, MONDO:0013083, OMIM 613014.

Submission:

Labcorp Genetics (formerly Invitae), Labcorp
Classification: Uncertain significance for Neuroblastoma, susceptibility to, 3. Last evaluated: 2024-07-09. Review status: criteria provided, single submitter. Criteria: Invitae Variant Classification Sherloc (09022015). Collection method: clinical testing. Allele origin: germline.
Comment: This variant, c.2595_2597del, results in the deletion of 1 amino acid(s) of the ALK protein (p.Ser866del), but otherwise preserves the integrity of the reading frame. This variant is not present in population databases (gnomAD no frequency). This variant has not been reported in the literature in individuals affected with ALK-related conditions. Experimental studies and prediction algorithms are not available or were not evaluated, and the functional significance of this variant is currently unknown. In summary, the available evidence is currently insufficient to determine the role of this variant in disease. Therefore, it has been classified as a Variant of Uncertain Significance.